The following is an entry in ClinVar:

NM_006231.4(POLE):c.1241A>G (p.Asp414Gly)

Gene: POLE (DNA polymerase epsilon, catalytic subunit; minus strand). Cytogenetic location: 12q24.33.
Variant type: single nucleotide variant.
Coding change: c.1241A>G on transcript NM_006231.4 (MANE Select); coding-DNA position 1241, A replaced by G.
Protein change: p.Asp414Gly; replaces aspartic acid 414 with glycine.
Molecular consequence: missense variant.
Genome position (GRCh38, 1-based): chr12:132,673,693, T>C on the plus strand (A>G on the coding strand, the complement: POLE is on the minus strand). VCF-style: chr12-132673693-T-C. GRCh37 (hg19) VCF-style: chr12-133250279-T-C.
Other names: short protein forms D414G.
Identifiers: ClinVar variation 3727238 (VCV003727238.2).

ClinVar aggregate classification (germline): Uncertain significance (1 of 4 stars; one submission).

Submission:

Labcorp Genetics (formerly Invitae), Labcorp
Classification: Uncertain significance. Last evaluated: 2024-10-30. Review status: criteria provided, single submitter. Criteria: Invitae Variant Classification Sherloc (09022015). Collection method: clinical testing. Allele origin: germline.
Comment: This sequence change replaces aspartic acid, which is acidic and polar, with glycine, which is neutral and non-polar, at codon 414 of the POLE protein (p.Asp414Gly). This variant is not present in population databases (gnomAD no frequency). This variant has not been reported in the literature in individuals affected with POLE-related conditions. Invitae Evidence Modeling of protein sequence and biophysical properties (such as structural, functional, and spatial information, amino acid conservation, physicochemical variation, residue mobility, and thermodynamic stability) indicates that this missense variant is expected to disrupt POLE protein function with a positive predictive value of 80%. In summary, the available evidence is currently insufficient to determine the role of this variant in disease. Therefore, it has been classified as a Variant of Uncertain Significance.